The following is an entry in ClinVar:

ClinVar aggregate classification (germline): Uncertain significance. Review status: criteria provided, multiple submitters, no conflicts (2 of 4 stars). 5 submissions from 5 submitters: Uncertain significance (4). 1 of the submissions does not count toward it. Last evaluated 2024-08-17.

Conditions:
Autosomal recessive limb-girdle muscular dystrophy type 2A (LGMDR1). Also called: Calpainopathy; Muscular dystrophy, limb-girdle, type 2A, Amish; LEYDEN-MOEBIUS MUSCULAR DYSTROPHY; MUSCULAR DYSTROPHY, PELVOFEMORAL; Limb-girdle muscular dystrophy, type 2A. Identifiers: Orphanet 267, MedGen C1869123, MONDO:0009675, OMIM 253600. Disease mechanism: loss of function.

Allele frequency attached by ClinVar (database versions not stated): TOPMed 0.00002.
gnomAD v4.1: 22 of 1,614,066 alleles (0.0014%); highest among the groups gnomAD compares: South Asian, 0.0066%; no homozygotes.

Submissions (5):

Labcorp Genetics (formerly Invitae), Labcorp
Classification: Uncertain significance for Autosomal recessive limb-girdle muscular dystrophy type 2A. Last evaluated: 2024-08-17. Review status: criteria provided, single submitter. Criteria: Invitae Variant Classification Sherloc (09022015). Collection method: clinical testing. Allele origin: germline.
Comment: This sequence change replaces proline, which is neutral and non-polar, with leucine, which is neutral and non-polar, at codon 26 of the CAPN3 protein (p.Pro26Leu). This variant is present in population databases (rs762020512, gnomAD 0.008%). This missense change has been observed in individual(s) with limb-girdle muscular dystrophy (PMID: 10330340). ClinVar contains an entry for this variant (Variation ID: 283251). Invitae Evidence Modeling of protein sequence and biophysical properties (such as structural, functional, and spatial information, amino acid conservation, physicochemical variation, residue mobility, and thermodynamic stability) indicates that this missense variant is not expected to disrupt CAPN3 protein function with a negative predictive value of 95%. In summary, the available evidence is currently insufficient to determine the role of this variant in disease. Therefore, it has been classified as a Variant of Uncertain Significance.

Revvity Omics, Revvity
Classification: Uncertain significance. Last evaluated: 2024-06-25. Review status: criteria provided, single submitter. Criteria: ACMG Guidelines, 2015. Collection method: clinical testing. Allele origin: germline.

Eurofins Ntd Llc (ga)
Classification: Uncertain significance. Last evaluated: 2015-09-09. Review status: criteria provided, single submitter. Criteria: EGL Classification Definitions 2015. Collection method: clinical testing. Allele origin: germline. Observed: 1 variant allele, 1 heterozygote.

Breakthrough Genomics
Classification: Uncertain significance. Review status: criteria provided, single submitter. Criteria: ACMG Guidelines, 2015. Collection method: not provided. Allele origin: germline. Inheritance: Autosomal recessive inheritance. Affected: yes.

Counsyl
Classification: Uncertain significance for Autosomal recessive limb-girdle muscular dystrophy type 2A. Last evaluated: 2017-07-20. Review status: no assertion criteria provided. Collection method: clinical testing. Allele origin: unknown. Not counted in ClinVar's aggregate classification.

Literature cited by the submitters: PubMed 10330340 (cited by Labcorp Genetics (formerly Invitae), Labcorp and Counsyl); PubMed 16141003 (cited by Counsyl); PubMed 17994539 (cited by Counsyl).

NM_000070.3(CAPN3):c.77C>T (p.Pro26Leu)

Gene: CAPN3 (calpain 3; plus strand). Cytogenetic location: 15q15.1.
Variant type: single nucleotide variant.
Coding change: c.77C>T on transcript NM_000070.3 (MANE Select); coding-DNA position 77, C replaced by T.
Protein change: p.Pro26Leu; replaces proline 26 with leucine.
Molecular consequence: missense variant.
Genome position (GRCh38, 1-based): chr15:42,359,882, C>T. VCF-style: chr15-42359882-C-T. GRCh37 (hg19) VCF-style: chr15-42652080-C-T.
Other names: c.77C>T, p.Pro26Leu (NM_024344.2, NM_173087.2); short protein forms P26L.
Identifiers: ClinVar variation 283251 (VCV000283251.10), dbSNP rs762020512, ClinGen allele CA7510847.